The following is an entry in ClinVar:

ClinVar aggregate classification (germline): Uncertain significance (1 of 4 stars; one submission).

Submission:

Labcorp Genetics (formerly Invitae), Labcorp
Classification: Uncertain significance. Last evaluated: 2022-04-13. Review status: criteria provided, single submitter. Criteria: Invitae Variant Classification Sherloc (09022015). Collection method: clinical testing. Allele origin: germline.
Comment: In summary, the available evidence is currently insufficient to determine the role of this variant in disease. Therefore, it has been classified as a Variant of Uncertain Significance. Algorithms developed to predict the effect of missense changes on protein structure and function are either unavailable or do not agree on the potential impact of this missense change (SIFT: "Not Available"; PolyPhen-2: "Probably Damaging"; Align-GVGD: "Not Available"). This variant has not been reported in the literature in individuals affected with USH1C-related conditions. Information on the frequency of this variant in the gnomAD database is not available, as this variant may be reported differently in the database. This sequence change replaces proline, which is neutral and non-polar, with asparagine, which is neutral and polar, at codon 439 of the USH1C protein (p.Pro439Asn).

NM_153676.4(USH1C):c.2215_2216delinsAA (p.Pro739Asn)

Gene: USH1C (USH1 protein network component harmonin; minus strand). Cytogenetic location: 11p15.1.
Variant type: Indel.
Coding change: c.2215_2216delinsAA on transcript NM_153676.4 (MANE Select); coding-DNA positions 2215 to 2216, CC replaced by AA.
Protein change: p.Pro739Asn; replaces proline 739 with asparagine.
Molecular consequence: missense variant. On other transcripts: non-coding transcript variant (1).
Genome position (GRCh38, 1-based): chr11:17,501,949-17,501,950, GG replaced by TT on the plus strand (CC replaced by AA on the coding strand, the reverse complement: USH1C is on the minus strand). VCF-style: chr11-17501949-GG-TT. GRCh37 (hg19) VCF-style: chr11-17523496-GG-TT.
Other names: c.1258_1259delinsAA, p.Pro420Asn (NM_001297764.2); c.1315_1316delinsAA, p.Pro439Asn (NM_005709.4); short protein forms P739N, P420N, P439N.
Identifiers: ClinVar variation 1922932 (VCV001922932.5), dbSNP rs2497007571, ClinGen allele CA2580082891.